The following is an entry in ClinVar:

NM_152564.5(VPS13B):c.8522dup (p.Leu2843fs)

Gene: VPS13B (vacuolar protein sorting 13 homolog B; plus strand). Cytogenetic location: 8q22.2.
Variant type: Duplication.
Coding change: c.8522dup on transcript NM_152564.5 (MANE Select); coding-DNA position 8522, one base duplicated (T; older notation c.8522dupT).
Protein change: p.Leu2843fs; shifts the reading frame from leucine 2843.
Molecular consequence: frameshift variant.
Genome position (GRCh38, 1-based): chr8:99,818,789, T duplicated. VCF-style (leftmost placement, unchanged base first): chr8-99818788-C-CT. GRCh37 (hg19) VCF-style: chr8-100831016-C-CT.
Other names: c.8597dup, p.Leu2868fs (NM_017890.5); short protein forms L2868fs, L2843fs.
Identifiers: ClinVar variation 2822530 (VCV002822530.3), dbSNP rs2492010569, ClinGen allele CA2739265789.

ClinVar aggregate classification (germline): Pathogenic (1 of 4 stars; one submission).

Conditions:
Cohen syndrome (COH1). Also called: PEPPER SYNDROME; Cutis verticis gyrata, retinitis pigmentosa, and sensorineural deafness. Identifiers: Orphanet 193, MedGen C0265223, MONDO:0008999, OMIM 216550.

Submission:

Labcorp Genetics (formerly Invitae), Labcorp
Classification: Pathogenic for Cohen syndrome. Last evaluated: 2025-03-17. Review status: criteria provided, single submitter. Criteria: Invitae Variant Classification Sherloc (09022015). Collection method: clinical testing. Allele origin: germline.
Comment: This sequence change creates a premature translational stop signal (p.Leu2868Ilefs*3) in the VPS13B gene. It is expected to result in an absent or disrupted protein product. Loss-of-function variants in VPS13B are known to be pathogenic (PMID: 15141358, 16648375, 20461111). This variant is not present in population databases (gnomAD no frequency). This variant has not been reported in the literature in individuals affected with VPS13B-related conditions. ClinVar contains an entry for this variant (Variation ID: 2822530). For these reasons, this variant has been classified as Pathogenic.

Literature cited by the submitters: PubMed 15141358; PubMed 16648375; PubMed 20461111.